The following is an entry in ClinVar:

NM_018979.4(WNK1):c.7085T>G (p.Phe2362Cys)

Gene: WNK1 (WNK lysine deficient protein kinase 1; plus strand). Cytogenetic location: 12p13.33.
Variant type: single nucleotide variant.
Coding change: c.7085T>G on transcript NM_018979.4 (MANE Select); coding-DNA position 7085, T replaced by G.
Protein change: p.Phe2362Cys; replaces phenylalanine 2362 with cysteine.
Molecular consequence: missense variant.
Genome position (GRCh38, 1-based): chr12:908,728, T>G. VCF-style: chr12-908728-T-G. GRCh37 (hg19) VCF-style: chr12-1017894-T-G.
Other names: c.7865T>G, p.Phe2622Cys (NM_001184985.2); c.6341T>G, p.Phe2114Cys (NM_014823.3); c.7841T>G, p.Phe2614Cys (NM_213655.5); short protein forms F2114C, F2362C, F2614C, F2622C.
Identifiers: ClinVar variation 1378850 (VCV001378850.6), dbSNP rs778367857, ClinGen allele CA6383560.
Genomic context (GRCh38, chr12:908,728, plus strand): 5'-GCCCAGCACCACAGCCACTTGGCCAGTTCCAACCTGTGGGAACTGCCTCCTTGCAGAATT[T>G]CAACATCAGCAATTTGCAGAAATCCATCAGCAACCCCCCAGGCTCCAACCTGCGGACCAC-3'
Protein context (NP_061852.3, residues 2352-2372): QPVGTASLQN[Phe2362Cys]NISNLQKSIS

ClinVar aggregate classification (germline): Uncertain significance (1 of 4 stars; one submission).

Conditions:
Neuropathy, hereditary sensory and autonomic, type 2A (HSAN2A). Also called: ACROOSTEOLYSIS, GIACCAI TYPE; ACROOSTEOLYSIS, NEUROGENIC; MORVAN DISEASE; NEUROPATHY, CONGENITAL SENSORY; NEUROPATHY, HEREDITARY SENSORY RADICULAR, AUTOSOMAL RECESSIVE; NEUROPATHY, HEREDITARY SENSORY, TYPE IIA. Identifiers: Orphanet 970, MedGen C2752089, MONDO:0024309, OMIM 201300.
Pseudohypoaldosteronism type 2C (PHA2C). Also called: Pseudohypoaldosteronism Type IIC. Identifiers: Orphanet 757, Orphanet 88940, MedGen C1840391, MONDO:0013778, OMIM 614492.

Allele frequency attached by ClinVar (database versions not stated): gnomAD exomes below 0.00001 and 0.00001; ExAC 0.00001.
gnomAD v4.1: 3 of 1,613,878 alleles (0.00019%); highest among the groups gnomAD compares: Non-Finnish European, 0.00017%; no homozygotes.

Submission:

Labcorp Genetics (formerly Invitae), Labcorp
Classification: Uncertain significance for Neuropathy, hereditary sensory and autonomic, type 2A; Pseudohypoaldosteronism type 2C. Last evaluated: 2021-08-31. Review status: criteria provided, single submitter. Criteria: Invitae Variant Classification Sherloc (09022015). Collection method: clinical testing. Allele origin: germline.
Comment: In summary, the available evidence is currently insufficient to determine the role of this variant in disease. Therefore, it has been classified as a Variant of Uncertain Significance. Algorithms developed to predict the effect of missense changes on protein structure and function are either unavailable or do not agree on the potential impact of this missense change (SIFT: "Deleterious"; PolyPhen-2: "Not Available"; Align-GVGD: "Class C0"). This variant has not been reported in the literature in individuals affected with WNK1-related conditions. This variant is present in population databases (rs778367857, ExAC 0.001%). This sequence change replaces phenylalanine with cysteine at codon 2614 of the WNK1 protein (p.Phe2614Cys). The phenylalanine residue is highly conserved and there is a large physicochemical difference between phenylalanine and cysteine.